The following is an entry in ClinVar:

ClinVar aggregate classification (germline): Uncertain significance. Review status: criteria provided, multiple submitters, no conflicts (2 of 4 stars). 2 submissions from 2 submitters: Uncertain significance (2). Last evaluated 2024-11-19.

Conditions:
Hearing impairment. Also called: Impaired Hearing. Identifiers: MedGen C1384666, MONDO:0005365, HP:0000365.

Allele frequency attached by ClinVar (database versions not stated): gnomAD 0.00003; TOPMed 0.00003; ExAC 0.00007; gnomAD exomes 0.00001.
gnomAD v4.1: 18 of 1,602,080 alleles (0.0011%); highest among the groups gnomAD compares: South Asian, 0.0045%; no homozygotes.

Submissions (2):

Labcorp Genetics (formerly Invitae), Labcorp
Classification: Uncertain significance. Last evaluated: 2024-11-19. Review status: criteria provided, single submitter. Criteria: Invitae Variant Classification Sherloc (09022015). Collection method: clinical testing. Allele origin: germline.
Comment: This sequence change replaces arginine, which is basic and polar, with tryptophan, which is neutral and slightly polar, at codon 467 of the MYO7A protein (p.Arg467Trp). The frequency data for this variant in the population databases is considered unreliable, as metrics indicate poor data quality at this position in the gnomAD database. This variant has not been reported in the literature in individuals affected with MYO7A-related conditions. ClinVar contains an entry for this variant (Variation ID: 1065042). Invitae Evidence Modeling of protein sequence and biophysical properties (such as structural, functional, and spatial information, amino acid conservation, physicochemical variation, residue mobility, and thermodynamic stability) indicates that this missense variant is not expected to disrupt MYO7A protein function with a negative predictive value of 95%. In summary, the available evidence is currently insufficient to determine the role of this variant in disease. Therefore, it has been classified as a Variant of Uncertain Significance.

Department of Otolaryngology – Head & Neck Surgery, Cochlear Implant Center
Classification: Uncertain significance for Hearing impairment. Last evaluated: 2021-04-12. Review status: criteria provided, single submitter. Criteria: ClinGen HL ACMG Specifications v1. Collection method: clinical testing. Allele origin: germline. Affected: yes.
Comment: PM2_Moderate, BP4_Supporting

NM_000260.4(MYO7A):c.1399C>T (p.Arg467Trp)

Gene: MYO7A (myosin VIIA; plus strand). Cytogenetic location: 11q13.5.
Variant type: single nucleotide variant.
Coding change: c.1399C>T on transcript NM_000260.4 (MANE Select); coding-DNA position 1399, C replaced by T.
Protein change: p.Arg467Trp; replaces arginine 467 with tryptophan.
Molecular consequence: missense variant.
Genome position (GRCh38, 1-based): chr11:77,162,175, C>T. VCF-style: chr11-77162175-C-T. GRCh37 (hg19) VCF-style: chr11-76873221-C-T.
Other names: c.1399C>T, p.Arg467Trp (NM_001127180.2); c.1366C>T, p.Arg456Trp (NM_001369365.1); short protein forms R456W, R467W.
Identifiers: ClinVar variation 1065042 (VCV001065042.7), dbSNP rs782073796, ClinGen allele CA6197489.